The following is an entry in ClinVar:

ClinVar aggregate classification (germline): Uncertain significance (3 of 4 stars; one submission).

Conditions:
Monogenic diabetes. Identifiers: Orphanet 183625, MedGen C3888631, MONDO:0015967.

Submission:

ClinGen Monogenic Diabetes Variant Curation Expert Panel
Classification: Uncertain significance for Monogenic diabetes. Last evaluated: 2024-05-01. Review status: reviewed by expert panel. Criteria: ClinGen Diabetes ACMG Specifications HNF4A V2.0.0. Collection method: curation. Allele origin: germline. Inheritance: Autosomal dominant inheritance.
Comment: The c.514C>A variant in the hepatocyte nuclear factor 4-alpha, HNF4A, causes an amino acid of glutamine to lysine at codon 172 (p.(Gln172Lys)) of NM_175914.5. This variant is predicted to be deleterious by computational evidence, with a REVEL score of 0.969, which is greater than the MDEP VCEP threshold of 0.70 (PP3). This variant segregated with diabetes with two informative meioses in this individual's family; however, this does not meet the thresholds for PP1 set by the ClinGen MDEP (PMID: 27236918, internal lab contributors). In summary, this variant meets the criteria to be classified as a variant of uncertain significance for monogenic diabetes. ACMG/AMP criteria applied, as specified by the ClinGen MDEP (specification version 2.0.0, approved 10/11/2023): PP4_Moderate, PP3, PM2_Supporting.

NM_175914.5(HNF4A):c.514C>A (p.Gln172Lys)

Gene: HNF4A (hepatocyte nuclear factor 4 alpha; plus strand). Cytogenetic location: 20q13.12.
Variant type: single nucleotide variant.
Coding change: c.514C>A on transcript NM_175914.5 (MANE Select); coding-DNA position 514, C replaced by A.
Protein change: p.Gln172Lys; replaces glutamine 172 with lysine.
Molecular consequence: missense variant.
Genome position (GRCh38, 1-based): chr20:44,414,594, C>A. VCF-style: chr20-44414594-C-A. GRCh37 (hg19) VCF-style: chr20-43043234-C-A.
Other names: NM_175914.5:c.514C>A; c.580C>A, p.Gln194Lys (NM_000457.6, NM_178849.3, NM_178850.3); c.514C>A, p.Gln172Lys (NM_001030003.3, NM_001030004.3); c.559C>A, p.Gln187Lys (NM_001258355.2); c.505C>A, p.Gln169Lys (NM_001287182.2, NM_001287183.2, NM_001287184.2); short protein forms Q169K, Q172K, Q187K, Q194K.
Identifiers: ClinVar variation 3234005 (VCV003234005.1), dbSNP rs1555815396, ClinGen allele CA409106055.